The following is an entry in ClinVar:

NM_001367624.2(ZNF469):c.1711T>C (p.Ser571Pro)

Gene: ZNF469 (zinc finger protein 469; plus strand). Cytogenetic location: 16q24.2.
Variant type: single nucleotide variant.
Coding change: c.1711T>C on transcript NM_001367624.2 (MANE Select); coding-DNA position 1711, T replaced by C.
Protein change: p.Ser571Pro; replaces serine 571 with proline.
Molecular consequence: missense variant.
Genome position (GRCh38, 1-based): chr16:88,429,181, T>C. VCF-style: chr16-88429181-T-C. GRCh37 (hg19) VCF-style: chr16-88495589-T-C.
Other names: NM_001127464.1:c.1711T>C; p.Ser571Pro; short protein forms S571P.
Identifiers: ClinVar variation 3232760 (VCV003232760.2), dbSNP rs925620594, ClinGen allele CA286373003.

ClinVar aggregate classification (germline): Uncertain significance. Review status: criteria provided, multiple submitters, no conflicts (2 of 4 stars). 2 submissions from 2 submitters: Uncertain significance (2). Last evaluated 2025-09-18.

Conditions:
Cardiovascular phenotype. Identifiers: MedGen CN230736.

Allele frequency attached by ClinVar (database versions not stated): TOPMed below 0.00001; gnomAD exomes 0.00001; gnomAD 0.00001.
gnomAD v4.1: 10 of 1,549,624 alleles (0.00065%); highest among the groups gnomAD compares: Non-Finnish European, 0.00087%; no homozygotes.

Submissions (2):

Mayo Clinic Laboratories, Mayo Clinic
Classification: Uncertain significance. Last evaluated: 2025-09-18. Review status: criteria provided, single submitter. Criteria: ACMG Guidelines, 2015. Collection method: clinical testing. Allele origin: germline. Observed: 1 variant allele.
Comment: BP4_moderate, PM2_supporting

Ambry Genetics
Classification: Uncertain significance for Cardiovascular phenotype. Last evaluated: 2024-01-08. Review status: criteria provided, single submitter. Criteria: Ambry Variant Classification Scheme 2023. Collection method: clinical testing. Allele origin: germline.
Comment: The p.S571P variant (also known as c.1711T>C), located in coding exon 1 of the ZNF469 gene, results from a T to C substitution at nucleotide position 1711. The serine at codon 571 is replaced by proline, an amino acid with similar properties. This amino acid position is conserved. In addition, this alteration is predicted to be tolerated by in silico analysis. Since supporting evidence is limited at this time, the clinical significance of this alteration remains unclear.